The following is an entry in ClinVar:

NM_000069.3(CACNA1S):c.717T>C (p.Asn239=)

Gene: CACNA1S (calcium voltage-gated channel subunit alpha1 S; minus strand). Cytogenetic location: 1q32.1.
Variant type: single nucleotide variant.
Coding change: c.717T>C on transcript NM_000069.3 (MANE Select); coding-DNA position 717, T replaced by C.
Protein change: p.Asn239=; no amino-acid change (asparagine 239 retained).
Molecular consequence: synonymous variant.
Genome position (GRCh38, 1-based): chr1:201,089,441, A>G on the plus strand (T>C on the coding strand, the complement: CACNA1S is on the minus strand). VCF-style: chr1-201089441-A-G. GRCh37 (hg19) VCF-style: chr1-201058569-A-G.
Identifiers: ClinVar variation 3071059 (VCV003071059.2), dbSNP rs2464615261, ClinGen allele CA422694464.

ClinVar aggregate classification (germline): Likely benign. Review status: criteria provided, multiple submitters, no conflicts (2 of 4 stars). 2 submissions from 2 submitters: Likely benign (2). Last evaluated 2023-09-04.

Conditions:
Malignant hyperthermia, susceptibility to, 5 (MHS5). Also called: CACNA1S-Related Malignant Hyperthermia Susceptibility. Identifiers: Orphanet 423, MedGen C1866077, MONDO:0011163, OMIM 601887.

Allele frequency attached by ClinVar (database versions not stated): gnomAD exomes below 0.00001.
gnomAD v4.1: 1 of 1,614,080 alleles (0.000062%); highest among the groups gnomAD compares: Non-Finnish European, 0.000085%; no homozygotes.

Submissions (2):

All of Us Research Program, National Institutes of Health
Classification: Likely benign for Malignant hyperthermia, susceptibility to, 5. Last evaluated: 2023-09-04. Review status: criteria provided, single submitter. Criteria: ACMG Guidelines, 2015. Collection method: clinical testing. Allele origin: germline. Inheritance: Autosomal dominant inheritance. Observed: 2 variant alleles, 2 heterozygotes.
Comment: This study involves interpretation of variants in research participants for the purpose of population health screening. Participant phenotype was not available at the time of variant classification. Additional details can be found in publication PMID: 35346344, PMCID: PMC8962531

Color Diagnostics, LLC DBA Color Health
Classification: Likely benign for Malignant hyperthermia, susceptibility to, 5. Last evaluated: 2023-04-15. Review status: criteria provided, single submitter. Criteria: ACMG Guidelines, 2015. Collection method: clinical testing. Allele origin: germline.